The following is an entry in ClinVar:

NM_022482.5(GZF1):c.1979T>C (p.Met660Thr)

Gene: GZF1 (GDNF inducible zinc finger protein 1; plus strand). Cytogenetic location: 20p11.21.
Variant type: single nucleotide variant.
Coding change: c.1979T>C on transcript NM_022482.5 (MANE Select); coding-DNA position 1979, T replaced by C.
Protein change: p.Met660Thr; replaces methionine 660 with threonine.
Molecular consequence: missense variant.
Genome position (GRCh38, 1-based): chr20:23,370,284, T>C. VCF-style: chr20-23370284-T-C. GRCh37 (hg19) VCF-style: chr20-23350921-T-C.
Other names: c.1979T>C, p.Met660Thr (NM_001317012.2); c.1933T>C, p.Cys645Arg (NM_001317019.1); short protein forms C645R, M660T.
Identifiers: ClinVar variation 1501286 (VCV001501286.6), dbSNP rs1981940475, ClinGen allele CA408415769.

ClinVar aggregate classification (germline): Uncertain significance (1 of 4 stars; one submission).

Allele frequency attached by ClinVar (database versions not stated): gnomAD exomes below 0.00001; TOPMed below 0.00001.
gnomAD v4.1: 4 of 1,614,180 alleles (0.00025%); highest among the groups gnomAD compares: South Asian, 0.0033%; no homozygotes.

Submission:

Labcorp Genetics (formerly Invitae), Labcorp
Classification: Uncertain significance. Last evaluated: 2021-01-08. Review status: criteria provided, single submitter. Criteria: Invitae Variant Classification Sherloc (09022015). Collection method: clinical testing. Allele origin: germline.
Comment: In summary, the available evidence is currently insufficient to determine the role of this variant in disease. Therefore, it has been classified as a Variant of Uncertain Significance. Algorithms developed to predict the effect of missense changes on protein structure and function are either unavailable or do not agree on the potential impact of this missense change (SIFT: "Not Available"; PolyPhen-2: "Benign"; Align-GVGD: "Not Available"). This variant has not been reported in the literature in individuals with GZF1-related conditions. This variant is not present in population databases (ExAC no frequency). This sequence change replaces methionine with threonine at codon 660 of the GZF1 protein (p.Met660Thr). The methionine residue is weakly conserved and there is a moderate physicochemical difference between methionine and threonine.